The following is an entry in ClinVar:

NM_001458.5(FLNC):c.457G>T (p.Asp153Tyr)

Gene: FLNC (filamin C; plus strand). Cytogenetic location: 7q32.1.
Variant type: single nucleotide variant.
Coding change: c.457G>T on transcript NM_001458.5 (MANE Select); coding-DNA position 457, G replaced by T.
Protein change: p.Asp153Tyr; replaces aspartic acid 153 with tyrosine.
Molecular consequence: missense variant.
Genome position (GRCh38, 1-based): chr7:128,835,430, G>T. VCF-style: chr7-128835430-G-T. GRCh37 (hg19) VCF-style: chr7-128475484-G-T.
Other names: c.457G>T, p.Asp153Tyr (NM_001127487.2); short protein forms D153Y.
Identifiers: ClinVar variation 452294 (VCV000452294.2), dbSNP rs1554397199, ClinGen allele CA369219236.

ClinVar aggregate classification (germline): Uncertain significance (1 of 4 stars; one submission).

Allele frequency attached by ClinVar (database versions not stated): TOPMed 0.00001.

Submission:

GeneDx
Classification: Uncertain significance. Last evaluated: 2017-09-28. Review status: criteria provided, single submitter. Criteria: GeneDx Variant Classification (06012015). Collection method: clinical testing. Allele origin: germline. Affected: yes.
Comment: The D153Y variant in the FLNC gene has not been reported previously as a pathogenic variant, nor as a benign variant, to our knowledge. The D153Y variant is not observed in large population cohorts (Lek et al., 2016). The D153Y variant is a non-conservative amino acid substitution, which occurs at a position that is conserved across species. In silico analysis predicts this variant is probably damaging to the protein structure/function. We interpret D153Y as a variant of uncertain significance.